The following is an entry in ClinVar:

NM_004006.3(DMD):c.826C>T (p.Gln276Ter)

Gene: DMD (dystrophin; minus strand). Cytogenetic location: Xp21.1.
Variant type: single nucleotide variant.
Coding change: c.826C>T on transcript NM_004006.3 (MANE Select); coding-DNA position 826, C replaced by T.
Protein change: p.Gln276Ter; replaces glutamine 276 with a stop codon.
Molecular consequence: nonsense.
Genome position (GRCh38, 1-based): chrX:32,699,117, G>A on the plus strand (C>T on the coding strand, the complement: DMD is on the minus strand). VCF-style: chrX-32699117-G-A. GRCh37 (hg19) VCF-style: chrX-32717234-G-A.
Other names: c.802C>T, p.Gln268Ter (NM_000109.4); c.814C>T, p.Gln272Ter (NM_004009.3); c.457C>T, p.Gln153Ter (NM_004010.3); short protein forms Q153*, Q268*, Q272*, Q276*.
Identifiers: ClinVar variation 1322328 (VCV001322328.2), dbSNP rs2147603245, ClinGen allele CA412668791.

ClinVar aggregate classification (germline): Pathogenic (1 of 4 stars; one submission).

Conditions:
Duchenne muscular dystrophy (DMD). Also called: MUSCULAR DYSTROPHY, PSEUDOHYPERTROPHIC PROGRESSIVE, DUCHENNE TYPE; Duchenne Muscular Dystrophy (DMD). Identifiers: Orphanet 98896, MedGen C0013264, MONDO:0010679, OMIM 310200.

gnomAD v4.1: 1 of 1,208,274 alleles (0.000083%); highest among the groups gnomAD compares: Non-Finnish European, 0.00011%; no homozygotes.

Submission:

Laboratory of Medical Genetics, National & Kapodistrian University of Athens
Classification: Pathogenic for Duchenne muscular dystrophy. Last evaluated: 2022-12-16. Review status: criteria provided, single submitter. Criteria: ACMG Guidelines, 2015. Collection method: clinical testing. Allele origin: germline. Affected: yes.
Comment: PVS1, PM2, PP5